The following is an entry in ClinVar:

NM_002180.3(IGHMBP2):c.1633-135C>T

Genes: IGHMBP2 (immunoglobulin mu DNA binding protein 2; plus strand), LOC126861245 (CDK7 strongly-dependent group 2 enhancer GRCh37_chr11:68701479-68702678; plus strand). Cytogenetic location: 11q13.3.
Variant type: single nucleotide variant.
Coding change: c.1633-135C>T on transcript NM_002180.3 (MANE Select); 135 bases into the intron before coding-DNA position 1633, C replaced by T.
Molecular consequence: intron variant.
Genome position (GRCh38, 1-based): chr11:68,935,164, C>T. VCF-style: chr11-68935164-C-T. GRCh37 (hg19) VCF-style: chr11-68702632-C-T.
Identifiers: ClinVar variation 681886 (VCV000681886.1), dbSNP rs737386, ClinGen allele CA13486144.
Genomic context (GRCh38, chr11:68,935,164, plus strand): 5'-CAGGGTGTGGTATTGGCGTGCATGCGTGCCCGTGAGGAGGGCGAACGGGAAGCCTTTCCC[C>T]ATGGGGCTCCTGCAGGCTCCGCTTCCCAGGTCCTGGCTGTTTCACAGCGTGAGGCCCTCT-3'

ClinVar aggregate classification (germline): Benign (1 of 4 stars; one submission).

Allele frequency attached by ClinVar (database versions not stated): 1000 Genomes Project 0.19708; gnomAD 0.22374; 1000 Genomes Project 30x 0.19550; TOPMed 0.23071.
gnomAD v4.1: 310,136 of 1,162,234 alleles (27%); highest among the groups gnomAD compares: Admixed American, 43%; 44,953 homozygotes.

Submission:

GeneDx
Classification: Benign. Last evaluated: 2018-06-19. Review status: criteria provided, single submitter. Criteria: GeneDx Variant Classification (06012015). Collection method: clinical testing. Allele origin: germline. Affected: yes.
Comment: This variant is considered likely benign or benign based on one or more of the following criteria: it is a conservative change, it occurs at a poorly conserved position in the protein, it is predicted to be benign by multiple in silico algorithms, and/or has population frequency not consistent with disease.